The following is an entry in ClinVar:

ClinVar aggregate classification (germline): Uncertain significance (1 of 4 stars; one submission).

Submission:

CeGaT Center for Human Genetics Tuebingen
Classification: Uncertain significance. Last evaluated: 2026-07-01. Review status: criteria provided, single submitter. Criteria: CeGaT Center For Human Genetics Tuebingen Variant Classification Criteria Version 2. Collection method: clinical testing. Allele origin: germline. Affected: yes. Observed: 1 variant allele.
Comment: MFRP: PM2, BP4

NM_031433.4(MFRP):c.571A>T (p.Ile191Leu)

Genes: C1QTNF5 (C1q and TNF related 5; minus strand), MFRP (membrane frizzled-related protein; minus strand). Cytogenetic location: 11q23.3.
Variant type: single nucleotide variant.
Coding change: c.571A>T on transcript NM_031433.4 (MANE Select); coding-DNA position 571, A replaced by T.
Protein change: p.Ile191Leu; replaces isoleucine 191 with leucine.
Molecular consequence: missense variant. On other transcripts: 5 prime UTR variant (1).
Genome position (GRCh38, 1-based): chr11:119,345,490, T>A on the plus strand (A>T on the coding strand, the complement: MFRP is on the minus strand). VCF-style: chr11-119345490-T-A. GRCh37 (hg19) VCF-style: chr11-119216200-T-A.
Other names: c.-2066A>T (NM_015645.5); short protein forms I191L.
Identifiers: ClinVar variation 5040072 (VCV005040072.1).